The following is an entry in ClinVar:

NM_000043.6(FAS):c.1008G>C (p.Ter336Tyr)

Gene: FAS (Fas cell surface death receptor; plus strand). Cytogenetic location: 10q23.31.
Variant type: single nucleotide variant.
Coding change: c.1008G>C on transcript NM_000043.6 (MANE Select); coding-DNA position 1008, G replaced by C.
Protein change: p.Ter336Tyr.
Molecular consequence: stop lost. On other transcripts: 3 prime UTR variant (2), non-coding transcript variant (7).
Genome position (GRCh38, 1-based): chr10:89,014,450, G>C. VCF-style: chr10-89014450-G-C. GRCh37 (hg19) VCF-style: chr10-90774207-G-C.
Other names: c.*331G>C (NM_001320619.2); c.1053G>C, p.Ter351Tyr (NM_001410956.1); c.945G>C, p.Ter315Tyr (NM_152871.4); c.*320G>C (NM_152872.4).
Identifiers: ClinVar variation 2004873 (VCV002004873.4), dbSNP rs1258512501, ClinGen allele CA377510312.
Genomic context (GRCh38, chr10:89,014,450, plus strand): 5'-GGACATTACTAGTGACTCAGAAAATTCAAACTTCAGAAATGAAATCCAAAGCTTGGTCTA[G>C]AGTGAAAAACAACAAATTCAGTTCTGAGTATATGCAATTAGTGTTTGAAAAGATTCTTAA-3'

ClinVar aggregate classification (germline): Uncertain significance (1 of 4 stars; one submission).

Conditions:
Autoimmune lymphoproliferative syndrome type 1. Also called: AUTOIMMUNE LYMPHOPROLIFERATIVE SYNDROME, TYPE I, AUTOSOMAL DOMINANT. Identifiers: Orphanet 3261, MedGen C2717884, MONDO:0011158, OMIM 601859.

Allele frequency attached by ClinVar (database versions not stated): gnomAD 0.00001.
gnomAD v4.1: 2 of 1,607,326 alleles (0.00012%); highest among the groups gnomAD compares: Non-Finnish European, 0.000085%; no homozygotes.

Submission:

Labcorp Genetics (formerly Invitae), Labcorp
Classification: Uncertain significance for Autoimmune lymphoproliferative syndrome. Last evaluated: 2024-07-04. Review status: criteria provided, single submitter. Criteria: Invitae Variant Classification Sherloc (09022015). Collection method: clinical testing. Allele origin: germline.
Comment: This sequence change disrupts the translational stop signal of the FAS mRNA. It is expected to extend the length of the FAS protein by 9 additional amino acid residues. This variant is present in population databases (no rsID available, gnomAD 0.007%). This variant has not been reported in the literature in individuals affected with FAS-related conditions. ClinVar contains an entry for this variant (Variation ID: 2004873). Experimental studies and prediction algorithms are not available or were not evaluated, and the functional significance of this variant is currently unknown. In summary, the available evidence is currently insufficient to determine the role of this variant in disease. Therefore, it has been classified as a Variant of Uncertain Significance.